The following is an entry in ClinVar:

NM_213655.5(WNK1):c.2172T>C (p.Val724=)

Gene: WNK1 (WNK lysine deficient protein kinase 1; plus strand). Cytogenetic location: 12p13.33.
Variant type: single nucleotide variant.
Coding change: c.2172T>C on transcript NM_213655.5 (MANE Plus Clinical); coding-DNA position 2172, T replaced by C.
Protein change: p.Val724=; no amino-acid change (valine 724 retained).
Molecular consequence: synonymous variant. On other transcripts: intron variant (3).
Genome position (GRCh38, 1-based): chr12:865,142, T>C. VCF-style: chr12-865142-T-C. GRCh37 (hg19) VCF-style: chr12-974308-T-C.
Other names: c.2140-2724T>C (NM_001184985.2); c.2139+2872T>C (NM_018979.4, NM_014823.3).
Identifiers: ClinVar variation 623793 (VCV000623793.56), dbSNP rs72649808, ClinGen allele CA6382127.

ClinVar aggregate classification (germline): Benign/Likely benign. Review status: criteria provided, multiple submitters, no conflicts (2 of 4 stars). 5 submissions from 5 submitters: Benign (1); Likely benign (4). Last evaluated 2026-05-01.

Conditions:
Pseudohypoaldosteronism type 2C (PHA2C). Also called: Pseudohypoaldosteronism Type IIC. Identifiers: Orphanet 757, Orphanet 88940, MedGen C1840391, MONDO:0013778, OMIM 614492.
Neuropathy, hereditary sensory and autonomic, type 2A (HSAN2A). Also called: MORVAN DISEASE; NEUROPATHY, CONGENITAL SENSORY; NEUROPATHY, HEREDITARY SENSORY RADICULAR, AUTOSOMAL RECESSIVE; NEUROPATHY, HEREDITARY SENSORY, TYPE IIA; NEUROPATHY, PROGRESSIVE SENSORY, OF CHILDREN; HSAN IIA. Identifiers: Orphanet 970, MedGen C2752089, MONDO:0024309, OMIM 201300.

Allele frequency attached by ClinVar (database versions not stated): 1000 Genomes Project 0.00419; gnomAD exomes 0.00073 and 0.00122; ExAC 0.00165; gnomAD 0.00249 and 0.00266; TOPMed 0.00285.
gnomAD v4.1: 1,407 of 1,532,002 alleles (0.092%); highest among the groups gnomAD compares: African/African-American, 0.8%; 8 homozygotes.

Submissions (5):

CeGaT Center for Human Genetics Tuebingen
Classification: Likely benign. Last evaluated: 2026-05-01. Review status: criteria provided, single submitter. Criteria: CeGaT Center For Human Genetics Tuebingen Variant Classification Criteria Version 2. Collection method: clinical testing. Allele origin: germline. Affected: yes. Observed: 6 variant alleles.
Comment: WNK1: BP4, BP7

Labcorp Genetics (formerly Invitae), Labcorp
Classification: Benign for Neuropathy, hereditary sensory and autonomic, type 2A; Pseudohypoaldosteronism type 2C. Last evaluated: 2025-12-21. Review status: criteria provided, single submitter. Criteria: Invitae Variant Classification Sherloc (09022015). Collection method: clinical testing. Allele origin: germline.

Blueprint Genetics
Classification: Likely benign. Last evaluated: 2024-11-27. Review status: criteria provided, single submitter. Criteria: ACMG Guidelines, 2015. Collection method: clinical testing. Allele origin: germline.

Fulgent Genetics
Classification: Likely benign for Neuropathy, hereditary sensory and autonomic, type 2A; Pseudohypoaldosteronism type 2C. Last evaluated: 2021-09-13. Review status: criteria provided, single submitter. Criteria: ACMG Guidelines, 2015. Collection method: clinical testing. Allele origin: unknown.

GeneDx
Classification: Likely benign. Last evaluated: 2020-11-20. Review status: criteria provided, single submitter. Criteria: GeneDx Variant Classification Process June 2021. Collection method: clinical testing. Allele origin: germline. Affected: yes.